The following is an entry in ClinVar:

ClinVar aggregate classification (germline): Pathogenic/Likely pathogenic. Review status: criteria provided, multiple submitters, no conflicts (2 of 4 stars). 3 submissions from 3 submitters: Pathogenic (1); Likely pathogenic (1). 1 of the submissions does not count toward it. Last evaluated 2024-12-29.

Conditions:
Bethlem myopathy 1A. Also called: MYOPATHY, BENIGN CONGENITAL, WITH CONTRACTURES; Bethlem Muscular Dystrophy; Bethlem myopathy 1. Identifiers: Orphanet 610, MedGen CN029274, MONDO:0024530, OMIM 158810.

Submissions (3):

3billion
Classification: Likely pathogenic for Bethlem myopathy 1A. Last evaluated: 2024-12-29. Review status: criteria provided, single submitter. Criteria: ACMG Guidelines, 2015. Collection method: clinical testing. Allele origin: germline. Affected: yes.
Comment: The variant is not observed in the gnomAD v4.1.0 dataset. Predicted Consequence/Location: Intron variant In silico tools predict the variant to alter splicing and produce an abnormal transcript [SpliceAI: 0.83 (>=0.2, moderate evidence for spliceogenicity)]. The variant has been previously reported as assumed (i.e. paternity and maternity not confirmed) de novo in at least one similarly affected unrelated individual (PMID: 29419890). The variant has been reported at least twice as pathogenic without evidence for the classification (ClinVar ID: VCV000542973 /PMID: 29419890). Therefore, this variant is classified as Likely pathogenic according to the recommendation of ACMG/AMP guideline.

Labcorp Genetics (formerly Invitae), Labcorp
Classification: Pathogenic for Bethlem myopathy 1A. Last evaluated: 2022-10-13. Review status: criteria provided, single submitter. Criteria: Invitae Variant Classification Sherloc (09022015). Collection method: clinical testing. Allele origin: germline.
Comment: This sequence change falls in intron 14 of the COL6A1 gene. It does not directly change the encoded amino acid sequence of the COL6A1 protein. It affects a nucleotide within the consensus splice site. This variant is not present in population databases (gnomAD no frequency). This variant has been observed in individual(s) with autosomal dominant Bethlem myopathy (PMID: 29419890). In at least one individual the variant was observed to be de novo. ClinVar contains an entry for this variant (Variation ID: 542973). Variants that disrupt the consensus splice site are a relatively common cause of aberrant splicing (PMID: 17576681, 9536098). Algorithms developed to predict the effect of sequence changes on RNA splicing suggest that this variant may disrupt the consensus splice site. For these reasons, this variant has been classified as Pathogenic.

GeneReviews
No classification provided. Condition: Bethlem myopathy 1A. Review status: no classification provided. Collection method: literature only. Allele origin: germline. Not counted in ClinVar's aggregate classification.
Comment: Common variant that results in exon 14 skipping

Literature cited by the submitters: PubMed 29419890 (cited by 3 submitters); PubMed 17576681 (cited by Labcorp Genetics (formerly Invitae), Labcorp); PubMed 9536098 (cited by Labcorp Genetics (formerly Invitae), Labcorp); PubMed 24271325 (cited by GeneReviews); PubMed 20301676 (cited by GeneReviews).

NM_001848.3(COL6A1):c.1056+5G>A

Gene: COL6A1 (collagen type VI alpha 1 chain; plus strand). Cytogenetic location: 21q22.3.
Variant type: single nucleotide variant.
Coding change: c.1056+5G>A on transcript NM_001848.3 (MANE Select); 5 bases into the intron after coding-DNA position 1056, G replaced by A.
Molecular consequence: intron variant.
Genome position (GRCh38, 1-based): chr21:45,990,831, G>A. VCF-style: chr21-45990831-G-A. GRCh37 (hg19) VCF-style: chr21-47410745-G-A.
Identifiers: ClinVar variation 542973 (VCV000542973.12), dbSNP rs886044511, ClinGen allele CA645606014.